The following is an entry in ClinVar:

ClinVar aggregate classification (germline): Uncertain significance. Review status: criteria provided, multiple submitters, no conflicts (2 of 4 stars). 3 submissions from 3 submitters: Uncertain significance (3). Last evaluated 2024-12-16.

Conditions:
Fanconi anemia (FA). Also called: Fanconi's anemia. Identifiers: Orphanet 84, MedGen C0015625, MeSH D005199, MONDO:0019391.
Fanconi anemia complementation group D2. Also called: FANCD2-Related Fanconi Anemia; FANCONI PANCYTOPENIA, TYPE 4; FANCONI ANEMIA, COMPLEMENTATION GROUP D. Identifiers: Orphanet 84, MedGen C3160738, MONDO:0009214, OMIM 227646.

Allele frequency attached by ClinVar (database versions not stated): TOPMed below 0.00001.
gnomAD v4.1: 4 of 1,613,860 alleles (0.00025%); highest among the groups gnomAD compares: Non-Finnish European, 0.00034%; no homozygotes.

Submissions (3):

Dasa
Classification: Uncertain significance for Fanconi anemia complementation group D2. Last evaluated: 2024-12-16. Review status: criteria provided, single submitter. Criteria: DASA Assertion Criteria. Collection method: clinical testing. Allele origin: germline.
Comment: NM_001018115.3(FANCD2):c.745C>T (p.Leu249Phe) is a missense variant that results in the substitution of leucine with phenylalanine. This variant is rare in population databases. Computational prediction algorithms are consistent with a benign effect. The currently available literature and clinical evidence are not sufficient to establish a definitive association between this variant and the reported condition. Therefore, this variant is classified as a variant of uncertain significance.

Fulgent Genetics
Classification: Uncertain significance for Fanconi anemia complementation group D2. Last evaluated: 2024-05-13. Review status: criteria provided, single submitter. Criteria: ACMG Guidelines, 2015. Collection method: clinical testing. Allele origin: germline.

Labcorp Genetics (formerly Invitae), Labcorp
Classification: Uncertain significance for Fanconi anemia. Last evaluated: 2022-02-18. Review status: criteria provided, single submitter. Criteria: Invitae Variant Classification Sherloc (09022015). Collection method: clinical testing. Allele origin: germline.
Comment: This sequence change replaces leucine, which is neutral and non-polar, with phenylalanine, which is neutral and non-polar, at codon 249 of the FANCD2 protein (p.Leu249Phe). This variant is not present in population databases (gnomAD no frequency). This variant has not been reported in the literature in individuals affected with FANCD2-related conditions. Algorithms developed to predict the effect of missense changes on protein structure and function output the following: SIFT: "Tolerated"; PolyPhen-2: "Benign"; Align-GVGD: "Class C0". The phenylalanine amino acid residue is found in multiple mammalian species, which suggests that this missense change does not adversely affect protein function. In summary, the available evidence is currently insufficient to determine the role of this variant in disease. Therefore, it has been classified as a Variant of Uncertain Significance.

NM_001018115.3(FANCD2):c.745C>T (p.Leu249Phe)

Genes: FANCD2 (FA complementation group D2; plus strand), LOC107303338 (3p25 FANCD2 Alu-mediated recombination region; plus strand). Cytogenetic location: 3p25.3.
Variant type: single nucleotide variant.
Coding change: c.745C>T on transcript NM_001018115.3 (MANE Select); coding-DNA position 745, C replaced by T.
Protein change: p.Leu249Phe; replaces leucine 249 with phenylalanine.
Molecular consequence: missense variant.
Genome position (GRCh38, 1-based): chr3:10,041,672, C>T. VCF-style: chr3-10041672-C-T. GRCh37 (hg19) VCF-style: chr3-10083356-C-T.
Other names: c.745C>T (NM_033084.4); c.745C>T, p.Leu249Phe (NM_001319984.2, NM_001374253.1, NM_001374254.1 and 1 more transcripts); short protein forms L249F.
Identifiers: ClinVar variation 1933123 (VCV001933123.8), dbSNP rs1349205199, ClinGen allele CA351726504.